The following is an entry in ClinVar:

ClinVar aggregate classification (germline): Uncertain significance (1 of 4 stars; one submission).

Submission:

CeGaT Center for Human Genetics Tuebingen
Classification: Uncertain significance. Last evaluated: 2025-12-01. Review status: criteria provided, single submitter. Criteria: CeGaT Center For Human Genetics Tuebingen Variant Classification Criteria Version 2. Collection method: clinical testing. Allele origin: germline. Affected: yes. Observed: 1 variant allele.
Comment: SYNE1: PM2, BP4

NM_182961.4(SYNE1):c.15860C>G (p.Pro5287Arg)

Gene: SYNE1 (spectrin repeat containing nuclear envelope protein 1; minus strand). Cytogenetic location: 6q25.2.
Variant type: single nucleotide variant.
Coding change: c.15860C>G on transcript NM_182961.4 (MANE Select); coding-DNA position 15860, C replaced by G.
Protein change: p.Pro5287Arg; replaces proline 5287 with arginine.
Molecular consequence: missense variant.
Genome position (GRCh38, 1-based): chr6:152,323,535, G>C on the plus strand (C>G on the coding strand, the complement: SYNE1 is on the minus strand). VCF-style: chr6-152323535-G-C. GRCh37 (hg19) VCF-style: chr6-152644670-G-C.
Other names: c.15647C>G, p.Pro5216Arg (NM_033071.5); short protein forms P5216R, P5287R.
Identifiers: ClinVar variation 4681794 (VCV004681794.5).